The following is an entry in ClinVar:

NM_000535.7(PMS2):c.1299G>A (p.Lys433=)

Gene: PMS2 (PMS1 homolog 2, mismatch repair system component; minus strand). Cytogenetic location: 7p22.1.
Variant type: single nucleotide variant.
Coding change: c.1299G>A on transcript NM_000535.7 (MANE Select); coding-DNA position 1299, G replaced by A.
Protein change: p.Lys433=; no amino-acid change (lysine 433 retained).
Molecular consequence: synonymous variant. On other transcripts: non-coding transcript variant (1).
Genome position (GRCh38, 1-based): chr7:5,987,466, C>T on the plus strand (G>A on the coding strand, the complement: PMS2 is on the minus strand). VCF-style: chr7-5987466-C-T. GRCh37 (hg19) VCF-style: chr7-6027097-C-T.
Other names: c.894G>A, p.Lys298= (NM_001322003.2, NM_001322004.2, NM_001322005.2 and 1 more transcripts); c.1143G>A, p.Lys381= (NM_001322006.2); c.981G>A, p.Lys327= (NM_001322007.2, NM_001322008.2); c.738G>A, p.Lys246= (NM_001322010.2); c.366G>A, p.Lys122= (NM_001322011.2, NM_001322012.2); c.726G>A, p.Lys242= (NM_001322013.2); c.1299G>A, p.Lys433= (NM_001322014.2); c.990G>A, p.Lys330= (NM_001322015.2).
Identifiers: ClinVar variation 511193 (VCV000511193.13), dbSNP rs760727820, ClinGen allele CA042979.

ClinVar aggregate classification (germline): Benign/Likely benign. Review status: criteria provided, multiple submitters, no conflicts (2 of 4 stars). 5 submissions from 5 submitters: Benign (1); Likely benign (4). Last evaluated 2025-01-30.

Conditions:
Hereditary cancer-predisposing syndrome. Also called: Hereditary neoplastic syndrome; Hereditary Cancer Syndrome; Neoplastic Syndromes, Hereditary; Tumor predisposition. Identifiers: Orphanet 140162, MedGen C0027672, MeSH D009386, MONDO:0015356.
Hereditary nonpolyposis colorectal neoplasms. Identifiers: MedGen C0009405, MeSH D003123.
Lynch syndrome 4 (LYNCH4). Also called: Hereditary non-polyposis colorectal cancer, type 4; Colorectal cancer, hereditary nonpolyposis, type 4. Identifiers: Orphanet 144, MedGen C1838333, MONDO:0013699, OMIM 614337. Disease mechanism: loss of function.

Allele frequency attached by ClinVar (database versions not stated): gnomAD exomes 0.00001; ExAC 0.00002.
gnomAD v4.1: 4 of 1,614,134 alleles (0.00025%); highest among the groups gnomAD compares: South Asian, 0.0033%; no homozygotes.

Submissions (5):

Myriad Genetics, Inc.
Classification: Benign for Lynch syndrome 4. Last evaluated: 2025-01-30. Review status: criteria provided, single submitter. Criteria: Myriad Autosomal Dominant, Autosomal Recessive and X-Linked Classification Criteria (2023). Collection method: clinical testing. Allele origin: unknown.
Comment: This variant is considered benign. This variant is a silent/synonymous amino acid change and it is not expected to impact splicing.

Labcorp Genetics (formerly Invitae), Labcorp
Classification: Likely benign for Hereditary nonpolyposis colorectal neoplasms. Last evaluated: 2024-09-14. Review status: criteria provided, single submitter. Criteria: Invitae Variant Classification Sherloc (09022015). Collection method: clinical testing. Allele origin: germline.

Ambry Genetics
Classification: Likely benign for Hereditary cancer-predisposing syndrome. Last evaluated: 2019-06-18. Review status: criteria provided, single submitter. Criteria: Ambry Variant Classification Scheme 2023. Collection method: clinical testing. Allele origin: germline.

Color Diagnostics, LLC DBA Color Health
Classification: Likely benign for Hereditary cancer-predisposing syndrome. Last evaluated: 2018-12-04. Review status: criteria provided, single submitter. Criteria: ACMG Guidelines, 2015. Collection method: clinical testing. Allele origin: germline.

GeneDx
Classification: Likely benign. Last evaluated: 2018-04-26. Review status: criteria provided, single submitter. Criteria: GeneDx Variant Classification Process June 2021. Collection method: clinical testing. Allele origin: germline. Affected: yes.